The following is an entry in ClinVar:

NM_198075.4(LRRC56):c.1367C>A (p.Pro456Gln)

Gene: LRRC56 (leucine rich repeat containing 56; plus strand). Cytogenetic location: 11p15.5.
Variant type: single nucleotide variant.
Coding change: c.1367C>A on transcript NM_198075.4 (MANE Select); coding-DNA position 1367, C replaced by A.
Protein change: p.Pro456Gln; replaces proline 456 with glutamine.
Molecular consequence: missense variant.
Genome position (GRCh38, 1-based): chr11:554,014, C>A. VCF-style: chr11-554014-C-A. GRCh37 (hg19) VCF-style: chr11-554014-C-A.
Other names: c.1367C>A (NM_198075.3); short protein forms P456Q.
Identifiers: ClinVar variation 2181764 (VCV002181764.3), dbSNP rs200080449, ClinGen allele CA5780088.

ClinVar aggregate classification (germline): Uncertain significance. Review status: criteria provided, multiple submitters, no conflicts (2 of 4 stars). 2 submissions from 2 submitters: Uncertain significance (2). Last evaluated 2024-01-24.

Allele frequency attached by ClinVar (database versions not stated): TOPMed 0.00006; ExAC 0.00014; ESP Exome Variant Server 0.00015.
gnomAD v4.1: 143 of 1,612,310 alleles (0.0089%); highest among the groups gnomAD compares: Middle Eastern, 0.099%; 1 homozygote.

Submissions (2):

Ambry Genetics
Classification: Uncertain significance. Last evaluated: 2024-01-24. Review status: criteria provided, single submitter. Criteria: Ambry Variant Classification Scheme 2023. Collection method: clinical testing. Allele origin: germline.

Labcorp Genetics (formerly Invitae), Labcorp
Classification: Uncertain significance. Last evaluated: 2023-08-11. Review status: criteria provided, single submitter. Criteria: Invitae Variant Classification Sherloc (09022015). Collection method: clinical testing. Allele origin: germline.
Comment: This sequence change replaces proline, which is neutral and non-polar, with glutamine, which is neutral and polar, at codon 456 of the LRRC56 protein (p.Pro456Gln). This variant is present in population databases (rs200080449, gnomAD 0.06%). This variant has not been reported in the literature in individuals affected with LRRC56-related conditions. ClinVar contains an entry for this variant (Variation ID: 2181764). Advanced modeling of protein sequence and biophysical properties (such as structural, functional, and spatial information, amino acid conservation, physicochemical variation, residue mobility, and thermodynamic stability) has been performed at Invitae for this missense variant, however the output from this modeling did not meet the statistical confidence thresholds required to predict the impact of this variant on LRRC56 protein function. In summary, the available evidence is currently insufficient to determine the role of this variant in disease. Therefore, it has been classified as a Variant of Uncertain Significance.